The following is an entry in ClinVar:

ClinVar aggregate classification (germline): Benign/Likely benign. Review status: criteria provided, multiple submitters, no conflicts (2 of 4 stars). 2 submissions from 2 submitters: Benign (1); Likely benign (1). Last evaluated 2024-06-10.

Conditions:
Glycogen storage disease IXa1. Also called: GLYCOGEN STORAGE DISEASE VIII; GSD VIII; Glycogen storage disease 8; LIVER GLYCOGENOSIS, X-LINKED, TYPE I. Identifiers: Orphanet 264580, MedGen C3694531, MONDO:0010598, OMIM 306000.

Allele frequency attached by ClinVar (database versions not stated): gnomAD 0.00007 and 0.00011; TOPMed 0.00007; ExAC 0.00012; gnomAD exomes 0.00014 and 0.00016; 1000 Genomes Project 30x 0.00042; 1000 Genomes Project 0.00053.

Submissions (2):

Labcorp Genetics (formerly Invitae), Labcorp
Classification: Benign for Glycogen storage disease IXa1. Last evaluated: 2024-06-10. Review status: criteria provided, single submitter. Criteria: Invitae Variant Classification Sherloc (09022015). Collection method: clinical testing. Allele origin: germline.

GeneDx
Classification: Likely benign. Last evaluated: 2017-09-07. Review status: criteria provided, single submitter. Criteria: GeneDx Variant Classification (06012015). Collection method: clinical testing. Allele origin: germline. Affected: yes.
Comment: This variant is considered likely benign or benign based on one or more of the following criteria: it is a conservative change, it occurs at a poorly conserved position in the protein, it is predicted to be benign by multiple in silico algorithms, and/or has population frequency not consistent with disease.

NM_000292.3(PHKA2):c.1793+18T>A

Gene: PHKA2 (phosphorylase kinase regulatory subunit alpha 2; minus strand). Cytogenetic location: Xp22.13.
Variant type: single nucleotide variant.
Coding change: c.1793+18T>A on transcript NM_000292.3 (MANE Select); 18 bases into the intron after coding-DNA position 1793, T replaced by A.
Molecular consequence: intron variant.
Genome position (GRCh38, 1-based): chrX:18,924,038, A>T on the plus strand (T>A on the coding strand, the complement: PHKA2 is on the minus strand). VCF-style: chrX-18924038-A-T. GRCh37 (hg19) VCF-style: chrX-18942156-A-T.
Identifiers: ClinVar variation 511630 (VCV000511630.9), dbSNP rs567115484, ClinGen allele CA10361792.
Genomic context (GRCh38, chrX:18,924,038, plus strand): 5'-AAAATGGGACAAGGGCAGCAAAGGACTTTAAGAAAGGTCAGTGCTACTCTTATATTTTTT[A>T]AAAAAATCACAAATTACCTGGCTCCTCCAAAATATCCATCCTCTAGTTTTCTAATTGTGG-3'